The following is an entry in ClinVar:

ClinVar aggregate classification (germline): Uncertain significance (1 of 4 stars; one submission).

Submission:

Labcorp Genetics (formerly Invitae), Labcorp
Classification: Uncertain significance. Last evaluated: 2022-04-07. Review status: criteria provided, single submitter. Criteria: Invitae Variant Classification Sherloc (09022015). Collection method: clinical testing. Allele origin: germline.
Comment: This sequence change replaces proline, which is neutral and non-polar, with serine, which is neutral and polar, at codon 279 of the ARID1A protein (p.Pro279Ser). Information on the frequency of this variant in the gnomAD database is not available, as this variant may be reported differently in the database. This variant has not been reported in the literature in individuals affected with ARID1A-related conditions. Experimental studies and prediction algorithms are not available or were not evaluated, and the functional significance of this variant is currently unknown. In summary, the available evidence is currently insufficient to determine the role of this variant in disease. Therefore, it has been classified as a Variant of Uncertain Significance.

NM_006015.6(ARID1A):c.834_835delinsTT (p.Pro279Ser)

Genes: ARID1A (AT-rich interaction domain 1A; plus strand), LOC129929837 (ATAC-STARR-seq lymphoblastoid silent region 489; plus strand). Cytogenetic location: 1p36.11.
Variant type: Indel.
Coding change: c.834_835delinsTT on transcript NM_006015.6 (MANE Select); coding-DNA positions 834 to 835, CC replaced by TT.
Protein change: p.Pro279Ser; replaces proline 279 with serine.
Molecular consequence: missense variant.
Genome position (GRCh38, 1-based): chr1:26,697,237-26,697,238, CC replaced by TT. VCF-style: chr1-26697237-CC-TT. GRCh37 (hg19) VCF-style: chr1-27023728-CC-TT.
Other names: c.834_835delinsTT, p.Pro279Ser (NM_139135.4); short protein forms P279S.
Identifiers: ClinVar variation 1916151 (VCV001916151.5), dbSNP rs2525562004, ClinGen allele CA2580062647.